The following is an entry in ClinVar:

NM_001005361.3(DNM2):c.739G>C (p.Asp247His)

Gene: DNM2 (dynamin 2; plus strand). Cytogenetic location: 19p13.2.
Variant type: single nucleotide variant.
Coding change: c.739G>C on transcript NM_001005361.3 (MANE Select); coding-DNA position 739, G replaced by C.
Protein change: p.Asp247His; replaces aspartic acid 247 with histidine.
Molecular consequence: missense variant.
Genome position (GRCh38, 1-based): chr19:10,783,010, G>C. VCF-style: chr19-10783010-G-C. GRCh37 (hg19) VCF-style: chr19-10893686-G-C.
Other names: c.739G>C, p.Asp247His (NM_001005360.3, NM_001005362.3, NM_001190716.2 and 1 more transcripts); short protein forms D247H.
Identifiers: ClinVar variation 1983143 (VCV001983143.4), dbSNP rs200475945, ClinGen allele CA305274011.

ClinVar aggregate classification (germline): Uncertain significance (1 of 4 stars; one submission).

Conditions:
Charcot-Marie-Tooth disease dominant intermediate B (CMTDIB). Also called: CHARCOT-MARIE-TOOTH NEUROPATHY, DOMINANT INTERMEDIATE B; Charcot-Marie-Tooth disease dominant intermediate 1; CMT DI1; Charcot-Marie-Tooth disease dominant intermediate I. Identifiers: Orphanet 100044, Orphanet 228179, MedGen C1847902, MONDO:0011674, OMIM 606482.

Allele frequency attached by ClinVar (database versions not stated): gnomAD 0.00001; 1000 Genomes Project 30x 0.00016; 1000 Genomes Project 0.00020.
gnomAD v4.1: 1 of 1,614,182 alleles (0.000062%); highest among the groups gnomAD compares: East Asian, 0.0022%; no homozygotes.

Submission:

Labcorp Genetics (formerly Invitae), Labcorp
Classification: Uncertain significance for Charcot-Marie-Tooth disease dominant intermediate B. Last evaluated: 2024-08-13. Review status: criteria provided, single submitter. Criteria: Invitae Variant Classification Sherloc (09022015). Collection method: clinical testing. Allele origin: germline.
Comment: This sequence change replaces aspartic acid, which is acidic and polar, with histidine, which is basic and polar, at codon 247 of the DNM2 protein (p.Asp247His). This variant is present in population databases (rs200475945, gnomAD 0.01%). This variant has not been reported in the literature in individuals affected with DNM2-related conditions. ClinVar contains an entry for this variant (Variation ID: 1983143). Advanced modeling of protein sequence and biophysical properties (such as structural, functional, and spatial information, amino acid conservation, physicochemical variation, residue mobility, and thermodynamic stability) has been performed at Invitae for this missense variant, however the output from this modeling did not meet the statistical confidence thresholds required to predict the impact of this variant on DNM2 protein function. In summary, the available evidence is currently insufficient to determine the role of this variant in disease. Therefore, it has been classified as a Variant of Uncertain Significance.